The following is an entry in ClinVar:

ClinVar aggregate classification (germline): Uncertain significance (1 of 4 stars; one submission).

Allele frequency attached by ClinVar (database versions not stated): TOPMed below 0.00001; gnomAD 0.00001.
gnomAD v4.1: 2 of 1,614,024 alleles (0.00012%); highest among the groups gnomAD compares: African/African-American, 0.0027%; no homozygotes.

Submission:

Labcorp Genetics (formerly Invitae), Labcorp
Classification: Uncertain significance. Last evaluated: 2022-08-23. Review status: criteria provided, single submitter. Criteria: Invitae Variant Classification Sherloc (09022015). Collection method: clinical testing. Allele origin: germline.
Comment: This sequence change replaces proline, which is neutral and non-polar, with histidine, which is basic and polar, at codon 246 of the MERTK protein (p.Pro246His). This variant is present in population databases (no rsID available, gnomAD 0.008%). This variant has not been reported in the literature in individuals affected with MERTK-related conditions. ClinVar contains an entry for this variant (Variation ID: 1355659). Algorithms developed to predict the effect of missense changes on protein structure and function (SIFT, PolyPhen-2, Align-GVGD) all suggest that this variant is likely to be disruptive. In summary, the available evidence is currently insufficient to determine the role of this variant in disease. Therefore, it has been classified as a Variant of Uncertain Significance.

NM_006343.3(MERTK):c.737C>A (p.Pro246His)

Gene: MERTK (MER proto-oncogene, tyrosine kinase; plus strand). Cytogenetic location: 2q13.
Variant type: single nucleotide variant.
Coding change: c.737C>A on transcript NM_006343.3 (MANE Select); coding-DNA position 737, C replaced by A.
Protein change: p.Pro246His; replaces proline 246 with histidine.
Molecular consequence: missense variant.
Genome position (GRCh38, 1-based): chr2:111,947,547, C>A. VCF-style: chr2-111947547-C-A. GRCh37 (hg19) VCF-style: chr2-112705124-C-A.
Other names: short protein forms P246H.
Identifiers: ClinVar variation 1355659 (VCV001355659.6), dbSNP rs772266293, ClinGen allele CA348229291.